The following is an entry in ClinVar:

NM_001177316.2(SLC34A3):c.1336-1G>A

Gene: SLC34A3 (solute carrier family 34 member 3; plus strand). Cytogenetic location: 9q34.3.
Variant type: single nucleotide variant.
Coding change: c.1336-1G>A on transcript NM_001177316.2 (MANE Select); the canonical splice acceptor site of the intron before coding-DNA position 1336, G replaced by A.
Molecular consequence: splice acceptor variant.
Genome position (GRCh38, 1-based): chr9:137,235,951, G>A. VCF-style: chr9-137235951-G-A. GRCh37 (hg19) VCF-style: chr9-140130403-G-A.
Other names: c.1336-1G>A (NM_001177317.2, NM_080877.3).
Identifiers: ClinVar variation 4750129 (VCV004750129.1).

ClinVar aggregate classification (germline): Likely pathogenic (1 of 4 stars; one submission).

Submission:

Labcorp Genetics (formerly Invitae), Labcorp
Classification: Likely pathogenic. Last evaluated: 2025-05-05. Review status: criteria provided, single submitter. Criteria: Invitae Variant Classification Sherloc (09022015). Collection method: clinical testing. Allele origin: germline.
Comment: This sequence change affects an acceptor splice site in intron 12 of the SLC34A3 gene. While this variant is not anticipated to result in nonsense mediated decay, it likely alters RNA splicing and results in a disrupted protein product. This variant is not present in population databases (gnomAD no frequency). Disruption of this splice site has been observed in individual(s) with hypophosphatemic rickets with hypercalciuria (PMID: 31440709). In at least one individual the data is consistent with being in trans (on the opposite chromosome) from a pathogenic variant. Variants that disrupt the consensus splice site are a relatively common cause of aberrant splicing (PMID: 17576681, 9536098). Algorithms developed to predict the effect of sequence changes on RNA splicing suggest that this variant may disrupt the consensus splice site. In summary, the currently available evidence indicates that the variant is pathogenic, but additional data are needed to prove that conclusively. Therefore, this variant has been classified as Likely Pathogenic.

Literature cited by the submitters: PubMed 31440709; PubMed 17576681; PubMed 9536098.